The following is an entry in ClinVar:

NM_001849.4(COL6A2):c.2433C>G (p.Ile811Met)

Gene: COL6A2 (collagen type VI alpha 2 chain; plus strand). Cytogenetic location: 21q22.3.
Variant type: single nucleotide variant.
Coding change: c.2433C>G on transcript NM_001849.4 (MANE Select); coding-DNA position 2433, C replaced by G.
Protein change: p.Ile811Met; replaces isoleucine 811 with methionine.
Molecular consequence: missense variant.
Genome position (GRCh38, 1-based): chr21:46,126,513, C>G. VCF-style: chr21-46126513-C-G. GRCh37 (hg19) VCF-style: chr21-47546427-C-G.
Other names: c.2433C>G, p.Ile811Met (NM_058174.3, NM_058175.3); short protein forms I811M.
Identifiers: ClinVar variation 3712919 (VCV003712919.2).

ClinVar aggregate classification (germline): Uncertain significance (1 of 4 stars; one submission).

Conditions:
Bethlem myopathy 1A. Also called: MYOPATHY, BENIGN CONGENITAL, WITH CONTRACTURES; Bethlem myopathy 1; Bethlem Muscular Dystrophy. Identifiers: Orphanet 610, MedGen CN029274, MONDO:0024530, OMIM 158810.

gnomAD v4.1: 1 of 1,612,244 alleles (0.000062%); highest among the groups gnomAD compares: Non-Finnish European, 0.000085%; no homozygotes.

Submission:

Labcorp Genetics (formerly Invitae), Labcorp
Classification: Uncertain significance for Bethlem myopathy 1A. Last evaluated: 2025-01-30. Review status: criteria provided, single submitter. Criteria: Invitae Variant Classification Sherloc (09022015). Collection method: clinical testing. Allele origin: germline.
Comment: This sequence change replaces isoleucine, which is neutral and non-polar, with methionine, which is neutral and non-polar, at codon 811 of the COL6A2 protein (p.Ile811Met). This variant is not present in population databases (gnomAD no frequency). This variant has not been reported in the literature in individuals affected with COL6A2-related conditions. Invitae Evidence Modeling of protein sequence and biophysical properties (such as structural, functional, and spatial information, amino acid conservation, physicochemical variation, residue mobility, and thermodynamic stability) indicates that this missense variant is not expected to disrupt COL6A2 protein function with a negative predictive value of 95%. In summary, the available evidence is currently insufficient to determine the role of this variant in disease. Therefore, it has been classified as a Variant of Uncertain Significance.